The following is an entry in ClinVar:

ClinVar aggregate classification (germline): Likely pathogenic (1 of 4 stars; one submission).

Conditions:
Sulfite oxidase deficiency due to molybdenum cofactor deficiency type A. Also called: Molybdenum cofactor deficiency, complementation group A; Molybdenum Cofactor Deficiency A. Identifiers: Orphanet 308386, Orphanet 833, MedGen C1854988, MONDO:0009643, OMIM 252150.

Submission:

Labcorp Genetics (formerly Invitae), Labcorp
Classification: Likely pathogenic for Sulfite oxidase deficiency due to molybdenum cofactor deficiency type A. Last evaluated: 2020-05-22. Review status: criteria provided, single submitter. Criteria: Invitae Variant Classification Sherloc (09022015). Collection method: clinical testing. Allele origin: germline.
Comment: This variant results in the deletion of exon 2 and part of exon 1 (c.130_418+1360del) of the MOCS1 gene. It is expected to disrupt RNA splicing and likely results in an absent or disrupted protein product. This variant has not been reported in the literature in individuals with MOCS1-related conditions. Loss-of-function variants in MOCS1 are known to be pathogenic (PMID: 12754701, 16021469). In summary, the currently available evidence indicates that the variant is pathogenic, but additional data are needed to prove that conclusively. Therefore, this variant has been classified as Likely Pathogenic.

Literature cited by the submitters: PubMed 12754701; PubMed 16021469.

NC_000006.11:g.(?_39892062)_39895188del

Gene: MOCS1 (molybdenum cofactor synthesis 1; minus strand).
Variant type: Deletion.
Identifiers: ClinVar variation 1067166 (VCV001067166.2).